The following is an entry in ClinVar:

NM_001009944.3(PKD1):c.4788C>T (p.Thr1596=)

Gene: PKD1 (polycystin 1, transient receptor potential channel interacting; minus strand). Cytogenetic location: 16p13.3.
Variant type: single nucleotide variant.
Coding change: c.4788C>T on transcript NM_001009944.3 (MANE Select); coding-DNA position 4788, C replaced by T.
Protein change: p.Thr1596=; no amino-acid change (threonine 1596 retained).
Molecular consequence: synonymous variant.
Genome position (GRCh38, 1-based): chr16:2,110,379, G>A on the plus strand (C>T on the coding strand, the complement: PKD1 is on the minus strand). VCF-style: chr16-2110379-G-A. GRCh37 (hg19) VCF-style: chr16-2160380-G-A.
Other names: c.4788C>T, p.Thr1596= (NM_000296.4); c.4788C>T (NM_000296.3).
Identifiers: ClinVar variation 3054591 (VCV003054591.4), dbSNP rs200233435, ClinGen allele CA7832252.
Genomic context (GRCh38, chr16:2,110,379, plus strand): 5'-CTCGTTCTCAGCCGTGACGATGATATTGAAGGTGCCCACGGAGCGGAAGGTGTAAGAGAT[G>A]GTAGGACCCCCAGGGATGGGCGTGCAGCGGTCACAGAGCACCCAGGAATAGCGCACATCA-3'
Protein context (NP_001009944.3, residues 1586-1606): DRCTPIPGGP[Thr1596=]ISYTFRSVGT

ClinVar aggregate classification (germline): Likely benign. Review status: criteria provided, multiple submitters, no conflicts (2 of 4 stars). 3 submissions from 3 submitters: Likely benign (2). 1 of the submissions does not count toward it. Last evaluated 2025-06-09.

Conditions:
PKD1-related disorder. Also called: PKD1-related condition.

Allele frequency attached by ClinVar (database versions not stated): ExAC 0.00008; ESP Exome Variant Server 0.00008; gnomAD 0.00011.
gnomAD v4.1: 280 of 1,612,476 alleles (0.017%); highest among the groups gnomAD compares: Non-Finnish European, 0.021%; no homozygotes.

Submissions (3):

Athena Diagnostics
Classification: Likely benign. Last evaluated: 2025-06-09. Review status: criteria provided, single submitter. Criteria: Athena Diagnostics Criteria. Collection method: clinical testing. Allele origin: unknown.
Comment: Computational tools yielded predictions that this variant is unlikely to have an effect on normal RNA splicing. This nucleotide position exhibits low evolutionary conservation.

Blueprint Genetics
Classification: Likely benign. Last evaluated: 2023-05-15. Review status: criteria provided, single submitter. Criteria: ACMG Guidelines, 2015. Collection method: clinical testing. Allele origin: germline.

PreventionGenetics, part of Exact Sciences
Classification: Likely benign for PKD1-related condition. Last evaluated: 2022-05-11. Review status: no assertion criteria provided. Collection method: clinical testing. Allele origin: germline. Not counted in ClinVar's aggregate classification.
Comment: This variant is classified as likely benign based on ACMG/AMP sequence variant interpretation guidelines (Richards et al. 2015 PMID: 25741868, with internal and published modifications).